The following is an entry in ClinVar:

NM_002485.5(NBN):c.2149A>G (p.Thr717Ala)

Gene: NBN (nibrin; minus strand). Cytogenetic location: 8q21.3.
Variant type: single nucleotide variant.
Coding change: c.2149A>G on transcript NM_002485.5 (MANE Select); coding-DNA position 2149, A replaced by G.
Protein change: p.Thr717Ala; replaces threonine 717 with alanine.
Molecular consequence: missense variant.
Genome position (GRCh38, 1-based): chr8:89,943,288, T>C on the plus strand (A>G on the coding strand, the complement: NBN is on the minus strand). VCF-style: chr8-89943288-T-C. GRCh37 (hg19) VCF-style: chr8-90955516-T-C.
Other names: c.1903A>G, p.Thr635Ala (NM_001024688.3); short protein forms T717A, T635A.
Identifiers: ClinVar variation 387378 (VCV000387378.2), dbSNP rs587780093, ClinGen allele CA16605422.

ClinVar aggregate classification (germline): Uncertain significance (1 of 4 stars; one submission).

Allele frequency attached by ClinVar (database versions not stated): gnomAD exomes below 0.00001.
gnomAD v4.1: 4 of 1,613,802 alleles (0.00025%); highest among the groups gnomAD compares: South Asian, 0.0044%; no homozygotes.

Submission:

GeneDx
Classification: Uncertain significance. Last evaluated: 2016-06-28. Review status: criteria provided, single submitter. Criteria: GeneDx Variant Classification (06012015). Collection method: clinical testing. Allele origin: germline. Affected: yes.
Comment: The T717A variant in the NBN gene has not been reported previously as a pathogenic variant, nor as a benign variant, to our knowledge. The T717A variant was not observed in approximately 6500 individuals of European and African American ancestry in the NHLBI Exome Sequencing Project, indicating it is not a common benign variant in these populations. The T717A variant is a non-conservative amino acid substitution, which is likely to impact secondary protein structure as these residues differ in polarity, charge, size and/or other properties. However, this substitution occurs at a position that is not conserved and in silico analysis predicts this variant likely does not alter the protein structure/function. Therefore, we interpret T717A as a variant of uncertain significance.